The following is an entry in ClinVar:

NM_001035.3(RYR2):c.10012G>C (p.Asp3338His)

Gene: RYR2 (ryanodine receptor 2; plus strand). Cytogenetic location: 1q43.
Variant type: single nucleotide variant.
Coding change: c.10012G>C on transcript NM_001035.3 (MANE Select); coding-DNA position 10012, G replaced by C.
Protein change: p.Asp3338His; replaces aspartic acid 3338 with histidine.
Molecular consequence: missense variant.
Genome position (GRCh38, 1-based): chr1:237,708,968, G>C. VCF-style: chr1-237708968-G-C. GRCh37 (hg19) VCF-style: chr1-237872268-G-C.
Other names: short protein forms D3338H.
Identifiers: ClinVar variation 1699599 (VCV001699599.2), dbSNP rs373103377, ClinGen allele CA345410642.

ClinVar aggregate classification (germline): Uncertain significance (1 of 4 stars; one submission).

Submission:

GeneDx
Classification: Uncertain significance. Last evaluated: 2022-01-27. Review status: criteria provided, single submitter. Criteria: GeneDx Variant Classification Process June 2021. Collection method: clinical testing. Allele origin: germline. Affected: yes.
Comment: Has not been previously published as pathogenic or benign to our knowledge; Not observed in large population cohorts (gnomAD); Not located in one of the three hot-spot regions of the RYR2 gene, where the majority of pathogenic missense variants occur (Medeiros-Domingo et al., 2009); In silico analysis supports that this missense variant has a deleterious effect on protein structure/function